The following is an entry in ClinVar:

NM_174878.3(CLRN1):c.67G>T (p.Gly23Ter)

Gene: CLRN1 (clarin 1; minus strand). Cytogenetic location: 3q25.1.
Variant type: single nucleotide variant.
Coding change: c.67G>T on transcript NM_174878.3 (MANE Select); coding-DNA position 67, G replaced by T.
Protein change: p.Gly23Ter; replaces glycine 23 with a stop codon.
Molecular consequence: nonsense. On other transcripts: non-coding transcript variant (1).
Genome position (GRCh38, 1-based): chr3:150,972,642, C>A on the plus strand (G>T on the coding strand, the complement: CLRN1 is on the minus strand). VCF-style: chr3-150972642-C-A. GRCh37 (hg19) VCF-style: chr3-150690429-C-A.
Other names: c.67G>T, p.Gly23Ter (NM_001195794.1, NM_001256819.2); short protein forms G23*.
Identifiers: ClinVar variation 838097 (VCV000838097.9), dbSNP rs1443434247, ClinGen allele CA355012117.
Genomic context (GRCh38, chr3:150,972,642, plus strand): 5'-CCGTTTTGCAGAGGACAGTGGCTTTGATCCACAACGGTGTCCCCAAGGCTGTCACAACTC[C>A]GAGGGCACATGCAAAACTGAACACTCCGGCCATGCAAAAAATGATTTTCTTCTGTTGGCT-3'

ClinVar aggregate classification (germline): Pathogenic (1 of 4 stars; one submission).

Submission:

Labcorp Genetics (formerly Invitae), Labcorp
Classification: Pathogenic. Last evaluated: 2023-09-05. Review status: criteria provided, single submitter. Criteria: Invitae Variant Classification Sherloc (09022015). Collection method: clinical testing. Allele origin: germline.
Comment: This variant is not present in population databases (gnomAD no frequency). This premature translational stop signal has been observed in individual(s) with Usher syndrome (PMID: 24498627). ClinVar contains an entry for this variant (Variation ID: 838097). For these reasons, this variant has been classified as Pathogenic. This sequence change creates a premature translational stop signal (p.Gly23*) in the CLRN1 gene. It is expected to result in an absent or disrupted protein product. Loss-of-function variants in CLRN1 are known to be pathogenic (PMID: 11524702, 24498627).

Literature cited by the submitters: PubMed 24498627; PubMed 11524702.